The following is an entry in ClinVar:

NM_139276.3(STAT3):c.856G>A (p.Glu286Lys)

Gene: STAT3 (signal transducer and activator of transcription 3; minus strand). Cytogenetic location: 17q21.2.
Variant type: single nucleotide variant.
Coding change: c.856G>A on transcript NM_139276.3 (MANE Select); coding-DNA position 856, G replaced by A.
Protein change: p.Glu286Lys; replaces glutamic acid 286 with lysine.
Molecular consequence: missense variant.
Genome position (GRCh38, 1-based): chr17:42,333,991, C>T on the plus strand (G>A on the coding strand, the complement: STAT3 is on the minus strand). VCF-style: chr17-42333991-C-T. GRCh37 (hg19) VCF-style: chr17-40486009-C-T.
Other names: c.856G>A, p.Glu286Lys (NM_001369512.1, NM_001369513.1, NM_001369514.1 and 15 more transcripts); c.778G>A, p.Glu260Lys (NM_001384985.1); c.760G>A, p.Glu254Lys (NM_001384989.1); short protein forms E254K, E286K, E260K.
Identifiers: ClinVar variation 2940370 (VCV002940370.3), dbSNP rs2144832581, ClinGen allele CA399591316.

ClinVar aggregate classification (germline): Uncertain significance (1 of 4 stars; one submission).

Conditions:
Hyper-IgE recurrent infection syndrome 1, autosomal dominant. Also called: JOB SYNDROME; Job's Syndrome; STAT3 Hyper IgE Syndrome; Hyper-IgE recurrent infection syndrome 1; HYPER-IgE SYNDROME 1, AUTOSOMAL DOMINANT, WITH RECURRENT INFECTIONS. Identifiers: Orphanet 2314, MedGen C2936739, MONDO:0007818, OMIM 147060.
STAT3 gain of function. Identifiers: MedGen C4288261.

Submission:

Labcorp Genetics (formerly Invitae), Labcorp
Classification: Uncertain significance for STAT3 gain of function; Hyper-IgE recurrent infection syndrome 1, autosomal dominant. Last evaluated: 2025-01-23. Review status: criteria provided, single submitter. Criteria: Invitae Variant Classification Sherloc (09022015). Collection method: clinical testing. Allele origin: germline.
Comment: This sequence change replaces glutamic acid, which is acidic and polar, with lysine, which is basic and polar, at codon 286 of the STAT3 protein (p.Glu286Lys). This variant is not present in population databases (gnomAD no frequency). This variant has not been reported in the literature in individuals affected with STAT3-related conditions. ClinVar contains an entry for this variant (Variation ID: 2940370). Invitae Evidence Modeling of protein sequence and biophysical properties (such as structural, functional, and spatial information, amino acid conservation, physicochemical variation, residue mobility, and thermodynamic stability) indicates that this missense variant is expected to disrupt STAT3 protein function with a positive predictive value of 80%. In summary, the available evidence is currently insufficient to determine the role of this variant in disease. Therefore, it has been classified as a Variant of Uncertain Significance.